The following is an entry in ClinVar:

ClinVar aggregate classification (germline): Uncertain significance (1 of 4 stars; one submission).

Submission:

Labcorp Genetics (formerly Invitae), Labcorp
Classification: Uncertain significance. Last evaluated: 2023-07-10. Review status: criteria provided, single submitter. Criteria: Invitae Variant Classification Sherloc (09022015). Collection method: clinical testing. Allele origin: germline.
Comment: In summary, the available evidence is currently insufficient to determine the role of this variant in disease. Therefore, it has been classified as a Variant of Uncertain Significance. Algorithms developed to predict the effect of missense changes on protein structure and function output the following: SIFT: "Not Available"; PolyPhen-2: "Probably Damaging"; Align-GVGD: "Not Available". The tyrosine amino acid residue is found in multiple mammalian species, which suggests that this missense change does not adversely affect protein function. ClinVar contains an entry for this variant (Variation ID: 2128249). This variant has not been reported in the literature in individuals affected with LRIT3-related conditions. This variant is not present in population databases (gnomAD no frequency). This sequence change replaces cysteine, which is neutral and slightly polar, with tyrosine, which is neutral and polar, at codon 611 of the LRIT3 protein (p.Cys611Tyr).

NM_198506.5(LRIT3):c.1832G>A (p.Cys611Tyr)

Gene: LRIT3 (leucine rich repeat, Ig-like and transmembrane domains 3; plus strand). Cytogenetic location: 4q25.
Variant type: single nucleotide variant.
Coding change: c.1832G>A on transcript NM_198506.5 (MANE Select); coding-DNA position 1832, G replaced by A.
Protein change: p.Cys611Tyr; replaces cysteine 611 with tyrosine.
Molecular consequence: missense variant.
Genome position (GRCh38, 1-based): chr4:109,870,581, G>A. VCF-style: chr4-109870581-G-A. GRCh37 (hg19) VCF-style: chr4-110791737-G-A.
Other names: short protein forms C611Y.
Identifiers: ClinVar variation 2128249 (VCV002128249.4), dbSNP rs2545590441, ClinGen allele CA357872939.